The following is an entry in ClinVar:

NM_003107.3(SOX4):c.1210G>A (p.Asp404Asn)

Gene: SOX4 (SRY-box transcription factor 4; plus strand). Cytogenetic location: 6p22.3.
Variant type: single nucleotide variant.
Coding change: c.1210G>A on transcript NM_003107.3 (MANE Select); coding-DNA position 1210, G replaced by A.
Protein change: p.Asp404Asn; replaces aspartic acid 404 with asparagine.
Molecular consequence: missense variant.
Genome position (GRCh38, 1-based): chr6:21,595,744, G>A. VCF-style: chr6-21595744-G-A. GRCh37 (hg19) VCF-style: chr6-21595975-G-A.
Other names: short protein forms D404N.
Identifiers: ClinVar variation 3363674 (VCV003363674.1).
Genomic context (GRCh38, chr6:21,595,744, plus strand): 5'-TCCCACTCCTCCTCTTCCTCCTCCTCGGGCTCCTCGTCCTCCGACGACGAGTTCGAAGAC[G>A]ACCTGCTCGACCTGAACCCCAGCTCAAACTTTGAGAGCATGTCCCTGGGCAGCTTCAGTT-3'
Protein context (NP_003098.1, residues 394-414): SSSSDDEFED[Asp404Asn]LLDLNPSSNF

ClinVar aggregate classification (germline): Uncertain significance (1 of 4 stars; one submission).

Submission:

GeneDx
Classification: Uncertain significance. Last evaluated: 2023-11-27. Review status: criteria provided, single submitter. Criteria: GeneDx Variant Classification Process June 2021. Collection method: clinical testing. Allele origin: germline. Affected: yes.
Comment: Not observed at significant frequency in large population cohorts (gnomAD); In silico analysis supports that this missense variant has a deleterious effect on protein structure/function; Has not been previously published as pathogenic or benign to our knowledge